The following is an entry in ClinVar:

NM_000049.4(ASPA):c.914C>A (p.Ala305Glu)

Genes: ASPA (aspartoacylase; plus strand), SPATA22 (spermatogenesis associated 22; minus strand). Cytogenetic location: 17p13.2.
Variant type: single nucleotide variant.
Coding change: c.914C>A on transcript NM_000049.4 (MANE Select); coding-DNA position 914, C replaced by A.
Protein change: p.Ala305Glu; replaces alanine 305 with glutamic acid.
Molecular consequence: missense variant. On other transcripts: intron variant (2).
Genome position (GRCh38, 1-based): chr17:3,499,060, C>A. VCF-style: chr17-3499060-C-A. GRCh37 (hg19) VCF-style: chr17-3402354-C-A.
Other names: 914C-A; c.914C>A, p.Ala305Glu (NM_001128085.1); c.-74+14352G>T (NM_001321336.2, NM_001321337.2); short protein forms A305E.
Identifiers: ClinVar variation 2607 (VCV000002607.106), dbSNP rs28940574, ClinGen allele CA252356.
Genomic context (GRCh38, chr17:3,499,060, plus strand): 5'-AGGCCGCATATTACGAAAAGAAAGAAGCTTTTGCAAAGACAACTAAACTAACGCTCAATG[C>A]AAAAAGTATTCGCTGCTGTTTACATTAGAAATCACTTCCAGCTTACATCTTACACGGTGT-3'
Protein context (NP_000040.1, residues 295-313): FAKTTKLTLN[Ala305Glu]KSIRCCLH

ClinVar aggregate classification (germline): Pathogenic. Review status: criteria provided, multiple submitters, no conflicts (2 of 4 stars). 23 submissions from 23 submitters: Pathogenic (20). 3 of the submissions do not count toward it. Last evaluated 2026-08-14.

Conditions:
Fetal anomalies with a likely genetic cause.
Canavan Disease, Familial Form. Identifiers: MedGen C0751663.
ASPA-related disorder. Also called: ASPA-related condition.
Inborn genetic diseases. Identifiers: MedGen C0950123, MeSH D030342.
Spongy degeneration of central nervous system. Also called: Von Bogaert-Bertrand disease; ACY2 DEFICIENCY; AMINOACYLASE 2 DEFICIENCY; ASP DEFICIENCY; ASPA DEFICIENCY; ASPARTOACYLASE DEFICIENCY. Identifiers: Orphanet 141, MedGen C0206307, MONDO:0010079, OMIM 271900.

Allele frequency attached by ClinVar (database versions not stated): gnomAD 0.00015; 1000 Genomes Project 30x 0.00047; 1000 Genomes Project 0.00040; TOPMed 0.00014; ExAC 0.00023.

Submissions 1 to 13 of 23:

Genetics Laboratory, Great Ormond Street Hospital NHS Foundation Trust, North Thames Genomic Laboratory Hub
Classification: Pathogenic for Fetal anomalies with a likely genetic cause. Last evaluated: 2026-08-14. Review status: criteria provided, single submitter. Criteria: ACGS Best Practice Guidelines for Variant Classification in Rare Disease 2024 v1.2. Collection method: clinical testing. Allele origin: germline. Affected: yes.
Comment: PP3_supporting, PS3_supporting, PM3_strong, PP4_moderate

Labcorp Genetics (formerly Invitae), Labcorp
Classification: Pathogenic for Spongy degeneration of central nervous system. Last evaluated: 2026-01-20. Review status: criteria provided, single submitter. Criteria: Invitae Variant Classification Sherloc (09022015). Collection method: clinical testing. Allele origin: germline.
Comment: This sequence change replaces alanine, which is neutral and non-polar, with glutamic acid, which is acidic and polar, at codon 305 of the ASPA protein (p.Ala305Glu). This variant is present in population databases (rs28940574, gnomAD 0.04%). This missense change has been observed in individual(s) with Canavan disease (PMID: 8023850, 10909858, 16217711, 22850825). In at least one individual the data is consistent with being in trans (on the opposite chromosome) from a pathogenic variant. ClinVar contains an entry for this variant (Variation ID: 2607). Invitae Evidence Modeling of protein sequence and biophysical properties (such as structural, functional, and spatial information, amino acid conservation, physicochemical variation, residue mobility, and thermodynamic stability) indicates that this missense variant is expected to disrupt ASPA protein function with a positive predictive value of 95%. Experimental studies have shown that this missense change affects ASPA function (PMID: 8023850, 22750302). For these reasons, this variant has been classified as Pathogenic.

CeGaT Center for Human Genetics Tuebingen
Classification: Pathogenic. Last evaluated: 2025-12-01. Review status: criteria provided, single submitter. Criteria: CeGaT Center For Human Genetics Tuebingen Variant Classification Criteria Version 2. Collection method: clinical testing. Allele origin: germline. Affected: yes. Observed: 1 variant allele.
Comment: ASPA: PM3:Very Strong, PM2, PS3:Supporting

Natera, Inc.
Classification: Pathogenic for Canavan Disease. Last evaluated: 2025-10-08. Review status: criteria provided, single submitter. Criteria: Natera Variant Classification Schema (03/2026). Collection method: clinical testing. Allele origin: germline.
Comment: The c.914C>A variant in ASPA is a missense variant predicted to cause substitution of alanine to glutamic acid at amino acid 305. This variant is rare in the general population with a frequency below the threshold expected for the associated phenotype(s). This variant has been observed in one or more individuals affected with the associated recessive disease, as either homozygous or compound heterozygous with a second variant (PMID: 10909858, 16854607). Given the available evidence, this variant is classified as Pathogenic.

3billion
Classification: Pathogenic for Spongy degeneration of central nervous system. Last evaluated: 2025-08-31. Review status: criteria provided, single submitter. Criteria: ACMG Guidelines, 2015. Collection method: clinical testing. Allele origin: germline. Affected: yes.
Comment: The variant is observed at an extremely low frequency in the gnomAD v4.1.0 dataset (total allele frequency: 0.030%). Predicted Consequence/Location: Missense variant Functional studies provide strong evidence of the variant having a damaging effect on the gene or gene product (PMID: 22750302, 8023850). In silico tool predictions suggest damaging effect of the variant on gene or gene product [REVEL: 0.70 (>=0.6, sensitivity 0.68 and specificity 0.92)]. The same nucleotide change resulting in the same amino acid change has been previously reported as pathogenic/likely pathogenic with strong evidence (ClinVar ID: VCV000002607 /PMID: 8023850 /3billion dataset). The variant has been reported to be in trans with a pathogenic variant as either compound heterozygous or homozygous in at least 4 similarly affected unrelated individuals (PMID: 10909858, 16217711, 16437572, 22850825, 26586007, 27927234, 7668285, 8023850). The variant has been reported to co-segregate with the disease in at least one similarly affected relative/individual in the same family or similarly affected unrelated families (PMID: 16437572). Therefore, this variant is classified as Pathogenic according to the recommendation of ACMG/AMP guideline.

PreventionGenetics, part of Exact Sciences
Classification: Pathogenic for ASPA-related condition. Last evaluated: 2025-08-06. Review status: criteria provided, single submitter. Criteria: ACMG Guidelines, 2015. Collection method: clinical testing. Allele origin: germline.
Comment: The ASPA c.914C>A variant is predicted to result in the amino acid substitution p.Ala305Glu. This variant has been reported in the homozygous and compound heterozygous states in multiple individuals with Canavan disease (see for example: Kaul et al. 1994. PubMed ID: 8023850; Sistermans et al. 2000. PubMed ID: 10909858; Sommer and Sass. 2012. PubMed ID: 22750302). This variant is reported in 0.037% of alleles in individuals of European (non-Finnish) descent in gnomAD. In vitro experimental studies suggest this variant abolishes aspartoacylase enzyme activity (Kaul et al. 1994. PubMed ID: 8023850; Sommer and Sass. 2012. PubMed ID: 22750302). Given the evidence, this variant is interpreted as pathogenic.

Blueprint Genetics
Classification: Pathogenic for ASPA-related disorders. Last evaluated: 2024-11-22. Review status: criteria provided, single submitter. Criteria: ACMG Guidelines, 2015. Collection method: clinical testing. Allele origin: germline. Affected: yes. Observed: 5 variant alleles.

Fulgent Genetics
Classification: Pathogenic for Spongy degeneration of central nervous system. Last evaluated: 2024-05-19. Review status: criteria provided, single submitter. Criteria: ACMG Guidelines, 2015. Collection method: clinical testing. Allele origin: germline.

Centre of Medical Genetics, University Hospital Muenster
Classification: Pathogenic for Spongy degeneration of central nervous system. Last evaluated: 2022-08-29. Review status: criteria provided, single submitter. Criteria: ACMG Guidelines, 2015. Collection method: clinical testing. Allele origin: unknown. Affected: yes. Observed: 1 variant allele, 1 homozygote.
Comment: ACMG categories: PS3,PM1,PM2,PP3,PP4,PP5

Revvity Omics, Revvity
Classification: Pathogenic for Spongy degeneration of central nervous system. Last evaluated: 2022-04-22. Review status: criteria provided, single submitter. Criteria: ACMG Guidelines, 2015. Collection method: clinical testing. Allele origin: germline.

Genome-Nilou Lab
Classification: Pathogenic for Spongy degeneration of central nervous system. Last evaluated: 2021-11-07. Review status: criteria provided, single submitter. Criteria: ACMG Guidelines, 2015. Collection method: clinical testing. Allele origin: germline. Affected: no.

Baylor Genetics
Classification: Pathogenic for Spongy degeneration of central nervous system. Last evaluated: 2021-10-07. Review status: criteria provided, single submitter. Criteria: ACMG Guidelines, 2015. Collection method: clinical testing. Allele origin: unknown. Affected: yes. Study: CSER-TexasKidsCanSeq.
Comment: This variant was determined to be pathogenic according to ACMG Guidelines, 2015 [PMID:25741868].

Ambry Genetics
Classification: Pathogenic for Inborn genetic diseases. Last evaluated: 2021-02-09. Review status: criteria provided, single submitter. Criteria: Ambry Variant Classification Scheme 2023. Collection method: clinical testing. Allele origin: germline.
Comment: The c.914C>A (p.A305E) alteration is located in exon 6 (coding exon 6) of the ASPA gene. This alteration results from a C to A substitution at nucleotide position 914, causing the alanine (A) at amino acid position 305 to be replaced by a glutamic acid (E). Based on data from the Genome Aggregation Database (gnomAD) database, the ASPA c.914C>A alteration was observed in 0.02% (57/282352) of total alleles studied, with a frequency of 0.04% (48/128892) in the European (non-Finnish) subpopulation. This alteration has been reported in the homozygous and compound heterozygous states in patients with Canavan disease and is a common mutation that accounts for up to 60% of mutations in non-Ashkenazi Jewish populations (Kaul, 1994; Shaag, 1995; Kaul, 1996). This amino acid position is well conserved in available vertebrate species. Multiple in vitro studies have demonstrated that this mutation results in loss of ASPA protein activity, displays loss of flexibility resulting in decreased binding affinity, and can affect the order in the &beta;-sheet structure at the C-terminus of the ASPA protein (Kaul, 1994; Sommer, 2012; Sreevishnupriya, 2012; Zano, 2013). The p.A305E alteration is predicted to be deleterious by in silico analysis. Based on the available evidence, this alteration is classified as pathogenic.